The following is an entry in ClinVar:

ClinVar aggregate classification (germline): Uncertain significance. Review status: criteria provided, multiple submitters, no conflicts (2 of 4 stars). 3 submissions from 3 submitters: Uncertain significance (3). Last evaluated 2025-08-13.

Conditions:
Dilated cardiomyopathy 1S (CMD1S). Identifiers: Orphanet 154, Orphanet 54260, MedGen C1834481, MONDO:0013262, OMIM 613426.
Hypertrophic cardiomyopathy 1 (CMH1). Also called: Familial hypertrophic cardiomyopathy 1; MYH7-Related Familial Hypertrophic Cardiomyopathy. Identifiers: MedGen C3495498, MONDO:0008647, OMIM 192600.
Congenital myopathy with fiber type disproportion. Also called: Congenital fiber-type disproportion; Congenital fiber-type disproportion myopathy. Identifiers: Orphanet 2020, MedGen C0546264, MONDO:0009711. Inheritance: all.
MYH7-related skeletal myopathy. Also called: Myopathy, distal, 1; MYOPATHY, DISTAL, EARLY-ONSET, AUTOSOMAL DOMINANT; MYOPATHY, LATE DISTAL HEREDITARY; Laing distal myopathy; Laing early-onset distal myopathy. Identifiers: Orphanet 59135, MedGen C4552004, MONDO:0008050, OMIM 160500.
Myopathy, myosin storage, autosomal recessive (CMYO7B). Also called: CONGENITAL MYOPATHY 7B, MYOSIN STORAGE, AUTOSOMAL RECESSIVE. Identifiers: Orphanet 636970, MedGen C1850709, MONDO:0009708, OMIM 255160.
Myosin storage myopathy (CMYO7A). Also called: Scapuloperoneal myopathy, MYH7-related; MYOPATHY WITH LYSIS OF TYPE I MYOFIBRILS; MYH7-related late-onset scapuloperoneal muscular dystrophy; Congenital myopathy 7A, myosin storage, autosomal dominant; MYOPATHY, HYALINE BODY, AUTOSOMAL DOMINANT; SCAPULOPERONEAL MUSCULAR DYSTROPHY. Identifiers: Orphanet 437572, Orphanet 636965, MedGen C1842160, MONDO:0008409, OMIM 608358.
Cardiomyopathy (CMYO). Also called: Cardiomyopathies. Identifiers: Orphanet 167848, MedGen C0878544, MONDO:0004994, HP:0001638. Inheritance: Various modes of inheritance.
Hypertrophic cardiomyopathy. Also called: HYPERTROPHIC MYOCARDIOPATHY. Identifiers: Orphanet 217569, MedGen C0007194, MeSH D002312, MONDO:0005045, HP:0001639.

Allele frequency attached by ClinVar (database versions not stated): TOPMed 0.00001.

Submissions (3):

Labcorp Genetics (formerly Invitae), Labcorp
Classification: Uncertain significance for Hypertrophic cardiomyopathy. Last evaluated: 2025-08-13. Review status: criteria provided, single submitter. Criteria: Invitae Variant Classification Sherloc (09022015). Collection method: clinical testing. Allele origin: germline.
Comment: This sequence change replaces aspartic acid, which is acidic and polar, with glutamic acid, which is acidic and polar, at codon 3 of the MYH7 protein (p.Asp3Glu). This variant is not present in population databases (gnomAD no frequency). This variant has not been reported in the literature in individuals affected with MYH7-related conditions. ClinVar contains an entry for this variant (Variation ID: 1006817). Invitae Evidence Modeling of protein sequence and biophysical properties (such as structural, functional, and spatial information, amino acid conservation, physicochemical variation, residue mobility, and thermodynamic stability) indicates that this missense variant is expected to disrupt MYH7 protein function with a positive predictive value of 95%. In summary, the available evidence is currently insufficient to determine the role of this variant in disease. Therefore, it has been classified as a Variant of Uncertain Significance.

All of Us Research Program, National Institutes of Health
Classification: Uncertain significance for Cardiomyopathy. Last evaluated: 2023-12-13. Review status: criteria provided, single submitter. Criteria: ACMG Guidelines, 2015. Collection method: clinical testing. Allele origin: germline. Inheritance: Autosomal dominant inheritance. Observed: 1 variant allele, 1 heterozygote.
Comment: This missense variant replaces aspartic acid with glutamic acid at codon 3 of the MYH7 protein. Computational prediction suggests that this variant may not impact protein structure and function. To our knowledge, functional studies have not been reported for this variant. This variant has not been reported in individuals affected with MYH7-related disorders in the literature. This variant has not been identified in the general population by the Genome Aggregation Database (gnomAD). The available evidence is insufficient to determine the role of this variant in disease conclusively. Therefore, this variant is classified as a Variant of Uncertain Significance.

This study involves interpretation of variants in research participants for the purpose of population health screening. Participant phenotype was not available at the time of variant classification. Additional details can be found in publication PMID: 35346344, PMCID: PMC8962531

Fulgent Genetics
Classification: Uncertain significance for MYH7-related skeletal myopathy; Myosin storage myopathy; Hypertrophic cardiomyopathy 1; Myopathy, myosin storage, autosomal recessive; Congenital myopathy 4A, autosomal dominant; Dilated cardiomyopathy 1S. Last evaluated: 2021-10-17. Review status: criteria provided, single submitter. Criteria: ACMG Guidelines, 2015. Collection method: clinical testing. Allele origin: unknown.

NM_000257.4(MYH7):c.9T>G (p.Asp3Glu)

Gene: MYH7 (myosin heavy chain 7; minus strand). Cytogenetic location: 14q11.2.
Variant type: single nucleotide variant.
Coding change: c.9T>G on transcript NM_000257.4 (MANE Select); coding-DNA position 9, T replaced by G.
Protein change: p.Asp3Glu; replaces aspartic acid 3 with glutamic acid.
Molecular consequence: missense variant.
Genome position (GRCh38, 1-based): chr14:23,433,724, A>C on the plus strand (T>G on the coding strand, the complement: MYH7 is on the minus strand). VCF-style: chr14-23433724-A-C. GRCh37 (hg19) VCF-style: chr14-23902933-A-C.
Other names: short protein forms D3E.
Identifiers: ClinVar variation 1006817 (VCV001006817.9), dbSNP rs1893043424, ClinGen allele CA389054238.